The following is an entry in ClinVar:

ClinVar aggregate classification (germline): Uncertain significance. Review status: criteria provided, multiple submitters, no conflicts (2 of 4 stars). 2 submissions from 2 submitters: Uncertain significance (2). Last evaluated 2025-12-30.

Allele frequency attached by ClinVar (database versions not stated): TOPMed 0.00002; gnomAD 0.00003; ExAC 0.00006; ESP Exome Variant Server 0.00015.
gnomAD v4.1: 31 of 1,613,890 alleles (0.0019%); highest among the groups gnomAD compares: Admixed American, 0.0067%; no homozygotes.

Submissions (2):

Labcorp Genetics (formerly Invitae), Labcorp
Classification: Uncertain significance. Last evaluated: 2025-12-30. Review status: criteria provided, single submitter. Criteria: Invitae Variant Classification Sherloc (09022015). Collection method: clinical testing. Allele origin: germline.
Comment: This sequence change replaces arginine, which is basic and polar, with histidine, which is basic and polar, at codon 84 of the PSENEN protein (p.Arg84His). This variant is present in population databases (rs145741019, gnomAD 0.006%). This variant has not been reported in the literature in individuals affected with PSENEN-related conditions. ClinVar contains an entry for this variant (Variation ID: 1985384). An algorithm developed to predict the effect of missense changes on protein structure and function (PolyPhen-2) suggests that this variant is likely to be tolerated. In summary, the available evidence is currently insufficient to determine the role of this variant in disease. Therefore, it has been classified as a Variant of Uncertain Significance.

Ambry Genetics
Classification: Uncertain significance. Last evaluated: 2025-02-09. Review status: criteria provided, single submitter. Criteria: Ambry Variant Classification Scheme 2023. Collection method: clinical testing. Allele origin: germline.

NM_172341.4(PSENEN):c.251G>A (p.Arg84His)

Gene: PSENEN (presenilin enhancer, gamma-secretase subunit; plus strand). Cytogenetic location: 19q13.12.
Variant type: single nucleotide variant.
Coding change: c.251G>A on transcript NM_172341.4 (MANE Select); coding-DNA position 251, G replaced by A.
Protein change: p.Arg84His; replaces arginine 84 with histidine.
Molecular consequence: missense variant.
Genome position (GRCh38, 1-based): chr19:35,746,792, G>A. VCF-style: chr19-35746792-G-A. GRCh37 (hg19) VCF-style: chr19-36237693-G-A.
Other names: c.251G>A (NM_172341.1); c.251G>A, p.Arg84His (NM_001281532.3); short protein forms R84H.
Identifiers: ClinVar variation 1985384 (VCV001985384.5), dbSNP rs145741019, ClinGen allele CA9387070.